The following is an entry in ClinVar:

ClinVar aggregate classification (germline): Conflicting classifications of pathogenicity. Review status: criteria provided, conflicting classifications (1 of 4 stars). 7 submissions from 6 submitters: Uncertain significance (5); Likely benign (2). Last evaluated 2025-07-29.

Conditions:
Inborn genetic diseases. Identifiers: MedGen C0950123, MeSH D030342.
Autosomal recessive ataxia, Beauce type. Also called: SYNE1 Deficiency; SYNE1-Related Autosomal Recessive Cerebellar Ataxia; Spinocerebellar ataxia, autosomal recessive 8; ATAXIA, RECESSIVE, OF BEAUCE. Identifiers: Orphanet 88644, MedGen C1853116, MONDO:0012549, OMIM 610743.
Emery-Dreifuss muscular dystrophy 4, autosomal dominant (EDMD4). Also called: EMERY-DREIFUSS MUSCULAR DYSTROPHY 4 WITH VARIABLE FEATURES. Identifiers: Orphanet 261, MedGen C2751807, MONDO:0013071, OMIM 612998.

Allele frequency attached by ClinVar (database versions not stated): gnomAD exomes 0.00004 and 0.00007; ExAC 0.00006; TOPMed 0.00006; gnomAD 0.00008 and 0.00009.
gnomAD v4.1: 82 of 1,613,990 alleles (0.0051%); highest among the groups gnomAD compares: Admixed American, 0.005%; no homozygotes.

Submissions (7):

GeneDx
Classification: Uncertain significance. Last evaluated: 2025-07-29. Review status: criteria provided, single submitter. Criteria: GeneDx Variant Classification Process June 2021. Collection method: clinical testing. Allele origin: germline. Affected: yes.
Comment: In silico analysis suggests that this missense variant does not alter protein structure/function; Has not been previously published as pathogenic or benign to our knowledge; This variant is associated with the following publications: (PMID: 32579932)

Labcorp Genetics (formerly Invitae), Labcorp
Classification: Uncertain significance for Emery-Dreifuss muscular dystrophy 4, autosomal dominant; Autosomal recessive ataxia, Beauce type. Last evaluated: 2022-07-11. Review status: criteria provided, single submitter. Criteria: Invitae Variant Classification Sherloc (09022015). Collection method: clinical testing. Allele origin: germline.
Comment: In summary, the available evidence is currently insufficient to determine the role of this variant in disease. Therefore, it has been classified as a Variant of Uncertain Significance. Algorithms developed to predict the effect of missense changes on protein structure and function are either unavailable or do not agree on the potential impact of this missense change (SIFT: "Deleterious"; PolyPhen-2: "Possibly Damaging"; Align-GVGD: "Class C0"). ClinVar contains an entry for this variant (Variation ID: 355876). This variant has not been reported in the literature in individuals affected with SYNE1-related conditions. This variant is present in population databases (rs771898973, gnomAD 0.1%). This sequence change replaces arginine, which is basic and polar, with glutamine, which is neutral and polar, at codon 4403 of the SYNE1 protein (p.Arg4403Gln).

Ambry Genetics
Classification: Uncertain significance for Inborn genetic diseases. Last evaluated: 2021-08-16. Review status: criteria provided, single submitter. Criteria: Ambry Variant Classification Scheme 2023. Collection method: clinical testing. Allele origin: germline.

Revvity Omics, Revvity
Classification: Uncertain significance. Last evaluated: 2019-11-18. Review status: criteria provided, single submitter. Criteria: ACMG Guidelines, 2015. Collection method: clinical testing. Allele origin: germline.

Athena Diagnostics
Classification: Likely benign. Last evaluated: 2019-04-12. Review status: criteria provided, single submitter. Criteria: Athena Diagnostics Criteria. Collection method: clinical testing. Allele origin: germline.

Illumina Laboratory Services, Illumina
Classification: Uncertain significance for Autosomal recessive ataxia, Beauce type. Last evaluated: 2018-01-13. Review status: criteria provided, single submitter. Criteria: ICSL Variant Classification Criteria 13 December 2019. Collection method: clinical testing. Allele origin: germline.

Illumina Laboratory Services, Illumina
Classification: Likely benign for Emery-Dreifuss muscular dystrophy 4, autosomal dominant. Last evaluated: 2018-01-13. Review status: criteria provided, single submitter. Criteria: ICSL Variant Classification Criteria 13 December 2019. Collection method: clinical testing. Allele origin: germline.
Comment: This variant was observed in the ICSL laboratory as part of a predisposition screen in an ostensibly healthy population. It had not been previously curated by ICSL or reported in the Human Gene Mutation Database (HGMD: prior to June 1st, 2018), and was therefore a candidate for classification through an automated scoring system. Utilizing variant allele frequency, disease prevalence and penetrance estimates, and inheritance mode, an automated score was calculated to assess if this variant is too frequent to cause the disease. Based on the score and internal cut-off values, a variant classified as likely benign is not then subjected to further curation. The score for this variant resulted in a classification of likely benign for this disease.

NM_182961.4(SYNE1):c.13421G>A (p.Arg4474Gln)

Gene: SYNE1 (spectrin repeat containing nuclear envelope protein 1; minus strand). Cytogenetic location: 6q25.2.
Variant type: single nucleotide variant.
Coding change: c.13421G>A on transcript NM_182961.4 (MANE Select); coding-DNA position 13421, G replaced by A.
Protein change: p.Arg4474Gln; replaces arginine 4474 with glutamine.
Molecular consequence: missense variant.
Genome position (GRCh38, 1-based): chr6:152,331,264, C>T on the plus strand (G>A on the coding strand, the complement: SYNE1 is on the minus strand). VCF-style: chr6-152331264-C-T. GRCh37 (hg19) VCF-style: chr6-152652399-C-T.
Other names: c.13208G>A, p.Arg4403Gln (NM_033071.5); short protein forms R4403Q, R4474Q.
Identifiers: ClinVar variation 355876 (VCV000355876.18), dbSNP rs771898973, ClinGen allele CA4056178.
Genomic context (GRCh38, chr6:152,331,264, plus strand): 5'-TTGACTTGTTTGCTCACATCATCTGGTAACAGACAGATGTGTTCACGGAACATTATCTTT[C>T]GCTCATGTTGCTGAATTTGGCTGGTGGCCTGGAACACTGCCATGAGAAACTGGGTTTTCT-3'
Protein context (NP_892006.3, residues 4464-4484): QATSQIQQHE[Arg4474Gln]KIMFREHICL